The following is an entry in ClinVar:

ClinVar aggregate classification (germline): Uncertain significance. Review status: criteria provided, multiple submitters, no conflicts (2 of 4 stars). 2 submissions from 2 submitters: Uncertain significance (2). Last evaluated 2025-01-13.

Conditions:
Hereditary cancer-predisposing syndrome. Also called: Neoplastic Syndromes, Hereditary; Tumor predisposition; Hereditary neoplastic syndrome; Hereditary Cancer Syndrome. Identifiers: Orphanet 140162, MedGen C0027672, MeSH D009386, MONDO:0015356.
Mitochondrial complex II deficiency, nuclear type 1. Also called: SUCCINATE CoQ REDUCTASE DEFICIENCY. Identifiers: Orphanet 3208, MedGen C5700310, MONDO:0100294, OMIM 252011.
Pheochromocytoma/paraganglioma syndrome 5. Also called: Paragangliomas 5; SDHA-Related Hereditary Paraganglioma-Pheochromocytoma Syndrome. Identifiers: Orphanet 29072, MedGen C3279992, MONDO:0013602, OMIM 614165.

Allele frequency attached by ClinVar (database versions not stated): gnomAD exomes below 0.00001; gnomAD 0.00001; TOPMed 0.00001.
gnomAD v4.1: 3 of 1,613,876 alleles (0.00019%); highest among the groups gnomAD compares: African/African-American, 0.004%; no homozygotes.

Submissions (2):

Ambry Genetics
Classification: Uncertain significance for Hereditary cancer-predisposing syndrome. Last evaluated: 2025-01-13. Review status: criteria provided, single submitter. Criteria: Ambry Variant Classification Scheme 2023. Collection method: clinical testing. Allele origin: germline.
Comment: The p.N251T variant (also known as c.752A>C), located in coding exon 6 of the SDHA gene, results from an A to C substitution at nucleotide position 752. The asparagine at codon 251 is replaced by threonine, an amino acid with similar properties. This amino acid position is conserved. In addition, the in silico prediction for this alteration is inconclusive. Since supporting evidence is limited at this time, the clinical significance of this alteration remains unclear.

Labcorp Genetics (formerly Invitae), Labcorp
Classification: Uncertain significance for Pheochromocytoma/paraganglioma syndrome 5; Mitochondrial complex II deficiency, nuclear type 1. Last evaluated: 2024-12-04. Review status: criteria provided, single submitter. Criteria: Invitae Variant Classification Sherloc (09022015). Collection method: clinical testing. Allele origin: germline.
Comment: This sequence change replaces asparagine, which is neutral and polar, with threonine, which is neutral and polar, at codon 251 of the SDHA protein (p.Asn251Thr). This variant is not present in population databases (gnomAD no frequency). This variant has not been reported in the literature in individuals affected with SDHA-related conditions. ClinVar contains an entry for this variant (Variation ID: 572071). Invitae Evidence Modeling of protein sequence and biophysical properties (such as structural, functional, and spatial information, amino acid conservation, physicochemical variation, residue mobility, and thermodynamic stability) indicates that this missense variant is not expected to disrupt SDHA protein function with a negative predictive value of 95%. In summary, the available evidence is currently insufficient to determine the role of this variant in disease. Therefore, it has been classified as a Variant of Uncertain Significance.

NM_004168.4(SDHA):c.752A>C (p.Asn251Thr)

Gene: SDHA (succinate dehydrogenase complex flavoprotein subunit A; plus strand). Cytogenetic location: 5p15.33.
Variant type: single nucleotide variant.
Coding change: c.752A>C on transcript NM_004168.4 (MANE Select); coding-DNA position 752, A replaced by C.
Protein change: p.Asn251Thr; replaces asparagine 251 with threonine.
Molecular consequence: missense variant.
Genome position (GRCh38, 1-based): chr5:228,315, A>C. VCF-style: chr5-228315-A-C. GRCh37 (hg19) VCF-style: chr5-228430-A-C.
Other names: c.752A>C (NM_004168.2); c.608A>C, p.Asn203Thr (NM_001294332.2); c.752A>C, p.Asn251Thr (NM_001330758.2); short protein forms N251T, N203T.
Identifiers: ClinVar variation 572071 (VCV000572071.13), dbSNP rs1318566276, ClinGen allele CA359011185.